The following is an entry in ClinVar:

ClinVar aggregate classification (germline): Conflicting classifications of pathogenicity. Review status: criteria provided, conflicting classifications (1 of 4 stars). 8 submissions from 7 submitters: Uncertain significance (7); Benign (1). Last evaluated 2025-11-05.

Conditions:
Spinocerebellar ataxia, autosomal recessive, with axonal neuropathy 2 (SCAN2). Also called: Ataxia-ocular apraxia-2; ATAXIA-OCULOMOTOR APRAXIA 2; Ataxia with Oculomotor Apraxia; Ataxia with Oculomotor Apraxia Type 2. Identifiers: Orphanet 64753, MedGen C1853761, MONDO:0018996, OMIM 606002.
Amyotrophic lateral sclerosis type 4 (ALS4). Also called: AMYOTROPHIC LATERAL SCLEROSIS 4, JUVENILE; NEURONOPATHY, DISTAL HEREDITARY MOTOR, WITH PYRAMIDAL FEATURES. Identifiers: Orphanet 357043, MedGen C1865409, MONDO:0011223, OMIM 602433.
SETX-related disorder. Also called: SETX-related disorders; SETX-related condition. Identifiers: MedGen CN239403.
Inborn genetic diseases. Identifiers: MedGen C0950123, MeSH D030342.

Allele frequency attached by ClinVar (database versions not stated): ExAC 0.00002; gnomAD exomes 0.00002 and 0.00005; gnomAD 0.00004 and 0.00005; TOPMed 0.00004.
gnomAD v4.1: 79 of 1,613,112 alleles (0.0049%); highest among the groups gnomAD compares: Non-Finnish European, 0.0064%; no homozygotes.

Submissions (8):

Mayo Clinic Laboratories, Mayo Clinic
Classification: Uncertain significance. Last evaluated: 2025-11-05. Review status: criteria provided, single submitter. Criteria: ACMG Guidelines, 2015. Collection method: clinical testing. Allele origin: germline. Observed: 2 variant alleles.
Comment: BP4_moderate

PreventionGenetics, part of Exact Sciences
Classification: Uncertain significance for SETX-related condition. Last evaluated: 2025-10-29. Review status: criteria provided, single submitter. Criteria: ACMG Guidelines, 2015. Collection method: clinical testing. Allele origin: germline.
Comment: The SETX c.1015A>C variant is predicted to result in the amino acid substitution p.Lys339Gln. This variant was reported in the heterozygous state in an individual with Charcot-Marie-Tooth disease; however, this variant was not considered to be a primary cause of disease (Table S1, Høyer et al. 2014. PubMed ID: 25025039). This variant is reported in 0.0040% of alleles in individuals of African descent in gnomAD. At this time, the clinical significance of this variant is uncertain due to the absence of conclusive functional and genetic evidence.

Athena Diagnostics
Classification: Uncertain significance. Last evaluated: 2024-12-23. Review status: criteria provided, single submitter. Criteria: Athena Diagnostics Criteria. Collection method: clinical testing. Allele origin: unknown.
Comment: Available data are insufficient to determine the clinical significance of the variant at this time. The frequency of this variant in the general population is uninformative in assessment of its pathogenicity. Polyphen and MutationTaster predict this amino acid change may be damaging to the protein.

Labcorp Genetics (formerly Invitae), Labcorp
Classification: Benign for Amyotrophic lateral sclerosis type 4; Spinocerebellar ataxia, autosomal recessive, with axonal neuropathy 2. Last evaluated: 2024-05-18. Review status: criteria provided, single submitter. Criteria: Invitae Variant Classification Sherloc (09022015). Collection method: clinical testing. Allele origin: germline.

Ambry Genetics
Classification: Uncertain significance for Inborn genetic diseases. Last evaluated: 2023-10-26. Review status: criteria provided, single submitter. Criteria: Ambry Variant Classification Scheme 2023. Collection method: clinical testing. Allele origin: germline.

GeneDx
Classification: Uncertain significance. Last evaluated: 2023-01-13. Review status: criteria provided, single submitter. Criteria: GeneDx Variant Classification Process June 2021. Collection method: clinical testing. Allele origin: germline. Affected: yes.
Comment: Observed in an individual with Charcot-Marie-Tooth disease type 1; however, the authors considered the variant to be unlikely pathogenic and no further clinical information was provided (Hoyer et al., 2014); Not observed at significant frequency in large population cohorts (gnomAD); In silico analysis supports that this missense variant does not alter protein structure/function; This variant is associated with the following publications: (PMID: 25025039)

Illumina Laboratory Services, Illumina
Classification: Uncertain significance for Amyotrophic lateral sclerosis type 4. Last evaluated: 2018-01-12. Review status: criteria provided, single submitter. Criteria: ICSL Variant Classification Criteria 13 December 2019. Collection method: clinical testing. Allele origin: germline.

Illumina Laboratory Services, Illumina
Classification: Uncertain significance for Spinocerebellar ataxia, autosomal recessive, with axonal neuropathy 2. Last evaluated: 2018-01-12. Review status: criteria provided, single submitter. Criteria: ICSL Variant Classification Criteria 13 December 2019. Collection method: clinical testing. Allele origin: germline.

Literature cited by the submitters: PubMed 25025039 (cited by Athena Diagnostics).

NM_015046.7(SETX):c.1015A>C (p.Lys339Gln)

Gene: SETX (senataxin; minus strand). Cytogenetic location: 9q34.13.
Variant type: single nucleotide variant.
Coding change: c.1015A>C on transcript NM_015046.7 (MANE Select); coding-DNA position 1015, A replaced by C.
Protein change: p.Lys339Gln; replaces lysine 339 with glutamine.
Molecular consequence: missense variant.
Genome position (GRCh38, 1-based): chr9:132,331,135, T>G on the plus strand (A>C on the coding strand, the complement: SETX is on the minus strand). VCF-style: chr9-132331135-T-G. GRCh37 (hg19) VCF-style: chr9-135206522-T-G.
Other names: p.Lys339Gln; c.1015A>C, p.Lys339Gln (NM_001351527.2, NM_001351528.2); short protein forms K339Q.
Identifiers: ClinVar variation 914136 (VCV000914136.19), dbSNP rs768437607, ClinGen allele CA5297856.